The following is an entry in ClinVar:

ClinVar aggregate classification (germline): Pathogenic (1 of 4 stars; one submission).

Conditions:
Hereditary cancer-predisposing syndrome. Also called: Tumor predisposition; Neoplastic Syndromes, Hereditary; Hereditary Cancer Syndrome; Hereditary neoplastic syndrome. Identifiers: Orphanet 140162, MedGen C0027672, MeSH D009386, MONDO:0015356.

Submission:

Ambry Genetics
Classification: Pathogenic for Hereditary cancer-predisposing syndrome. Last evaluated: 2025-02-18. Review status: criteria provided, single submitter. Criteria: Ambry Variant Classification Scheme 2023. Collection method: clinical testing. Allele origin: germline.
Comment: The c.1160dupA pathogenic mutation, located in coding exon 4 of the MSH6 gene, results from a duplication of A at nucleotide position 1160, causing a translational frameshift with a predicted alternate stop codon (p.D387Efs*6). This variant is considered to be rare based on population cohorts in the Genome Aggregation Database (gnomAD). This alteration is expected to result in loss of function by premature protein truncation or nonsense-mediated mRNA decay. As such, this alteration is interpreted as a disease-causing mutation.

NM_000179.3(MSH6):c.1160dup (p.Asp387fs)

Gene: MSH6 (mutS homolog 6; plus strand). Cytogenetic location: 2p16.3.
Variant type: Duplication.
Coding change: c.1160dup on transcript NM_000179.3 (MANE Select); coding-DNA position 1160, one base duplicated (A; older notation c.1160dupA).
Protein change: p.Asp387fs; shifts the reading frame from aspartic acid 387.
Molecular consequence: frameshift variant. On other transcripts: non-coding transcript variant (4), intron variant (1).
Genome position (GRCh38, 1-based): chr2:47,799,143, A duplicated. VCF-style (leftmost placement, unchanged base first): chr2-47799142-G-GA. GRCh37 (hg19) VCF-style: chr2-48026281-G-GA.
Other names: c.770dup, p.Asp257fs (NM_001281492.2); c.254dup, p.Asp85fs (NM_001281493.2, NM_001281494.2, NM_001406811.1 and 6 more transcripts); c.1256dup, p.Asp419fs (NM_001406795.1, NM_001406802.1); c.1160dup, p.Asp387fs (NM_001406796.1, NM_001406798.1, NM_001406800.1 and 4 more transcripts); c.863dup, p.Asp288fs (NM_001406797.1, NM_001406801.1, NM_001406805.1 and 10 more transcripts); c.635dup, p.Asp212fs (NM_001406799.1, NM_001406806.1, NM_001406807.1); c.1082dup, p.Asp361fs (NM_001406804.1); c.1166dup, p.Asp389fs (NM_001406813.1); and 3 more; short protein forms D331fs, D361fs, D389fs, D212fs, D288fs, D387fs, D419fs, D257fs.
Identifiers: ClinVar variation 3875087 (VCV003875087.1).
Genomic context (GRCh38, chr2:47,799,142, plus strand): 5'-CATGAAACTTTAGAATGGCTTAAGGAGGAAAAGAGAAGAGATGAGCACAGGAGGAGGCCT[G>GA]ATCACCCCGATTTTGATGCATCTACACTCTATGTGCCTGAGGATTTCCTCAATTCTTGTA-3'